The following is an entry in ClinVar:

NM_000435.3(NOTCH3):c.2978C>T (p.Thr993Met)

Gene: NOTCH3 (notch receptor 3; minus strand). Cytogenetic location: 19p13.12.
Variant type: single nucleotide variant.
Coding change: c.2978C>T on transcript NM_000435.3 (MANE Select); coding-DNA position 2978, C replaced by T.
Protein change: p.Thr993Met; replaces threonine 993 with methionine.
Molecular consequence: missense variant.
Genome position (GRCh38, 1-based): chr19:15,180,977, G>A on the plus strand (C>T on the coding strand, the complement: NOTCH3 is on the minus strand). VCF-style: chr19-15180977-G-A. GRCh37 (hg19) VCF-style: chr19-15291788-G-A.
Other names: short protein forms T993M.
Identifiers: ClinVar variation 811482 (VCV000811482.8), dbSNP rs371278091, ClinGen allele CA9263223.
Genomic context (GRCh38, chr19:15,180,977, plus strand): 5'-TCCCAGGCAGGCTCCTCCCCCAGGTCCCCAGTAACTCCACCCACCTGGCACTGCGGGCCC[G>A]TGAAGCTCTCGAGGCAGGTGCAGCGGAAGCCAGGGTGGGCGGCGCTGCAGACGCCCCCGT-3'
Protein context (NP_000426.2, residues 983-1003): GFRCTCLESF[Thr993Met]GPQCQTLVDW

ClinVar aggregate classification (germline): Uncertain significance (1 of 4 stars; one submission).

Allele frequency attached by ClinVar (database versions not stated): gnomAD exomes 0.00001; ExAC 0.00002; gnomAD 0.00003; ESP Exome Variant Server 0.00008; TOPMed 0.00002.
gnomAD v4.1: 29 of 1,594,796 alleles (0.0018%); highest among the groups gnomAD compares: Non-Finnish European, 0.0023%; no homozygotes.

Submission:

ARUP Laboratories, Molecular Genetics and Genomics, ARUP Laboratories
Classification: Uncertain significance. Last evaluated: 2019-06-19. Review status: criteria provided, single submitter. Criteria: ARUP Molecular Germline Variant Investigation Process. Collection method: clinical testing. Allele origin: germline.
Comment: The NOTCH3 c.2978C>T; p.Thr993Met variant (rs371278091), to our knowledge, is not reported in the medical literature or gene-specific databases. This variant is found on only three chromosomes (3/243953 alleles) in the Genome Aggregation Database. The threonine at codon 993 is highly conserved, and computational analyses (SIFT, PolyPhen-2) predict that this variant is deleterious. However,most pathogenic NOTCH3 variants either create or destroy a cysteine residue within an EGF-like domain (Rutten 2014). The p.Thr993Met variant occurs in the 25th of the 34 EGF-like domains and is the fifth of eight residues between its final two cysteines; although 15 of the other 33 EGF-like domains also have a threonine in this position, functional studies would be needed to determine whether p.Thr993Met causes NOTCH3 protein accumulation. Due to limited information the clinical significance of p.Thr993Met is uncertain at this time. References: Rutten JW et al. Interpretation of NOTCH3 mutations in the diagnosis of CADASIL. Expert Rev Mol Diagn. 2014 Jun;14(5):593-603.